The following is an entry in ClinVar:

ClinVar aggregate classification (germline): Likely benign (1 of 4 stars; one submission).

gnomAD v4.1: 8 of 398,972 alleles (0.002%); highest among the groups gnomAD compares: Non-Finnish European, 0.0031%; no homozygotes.

Submission:

CeGaT Center for Human Genetics Tuebingen
Classification: Likely benign. Last evaluated: 2022-04-01. Review status: criteria provided, single submitter. Criteria: CeGaT Center For Human Genetics Tuebingen Variant Classification Criteria Version 2. Collection method: clinical testing. Allele origin: germline. Affected: yes. Observed: 1 variant allele.
Comment: C4orf50: BP4, BP7

NM_001364689.3(C4orf50):c.1503G>A (p.Pro501=)

Gene: C4orf50 (chromosome 4 open reading frame 50; minus strand). Cytogenetic location: 4p16.2.
Variant type: single nucleotide variant.
Coding change: c.1503G>A on transcript NM_001364689.3 (MANE Select); coding-DNA position 1503, G replaced by A.
Protein change: p.Pro501=; no amino-acid change (proline 501 retained).
Molecular consequence: synonymous variant.
Genome position (GRCh38, 1-based): chr4:5,990,543, C>T on the plus strand (G>A on the coding strand, the complement: C4orf50 is on the minus strand). VCF-style: chr4-5990543-C-T. GRCh37 (hg19) VCF-style: chr4-5992270-C-T.
Other names: c.966G>A, p.Pro322= (NM_001364690.2).
Identifiers: ClinVar variation 2654617 (VCV002654617.24), dbSNP rs1018187767, ClinGen allele CA91732230.